The following is an entry in ClinVar:

NM_030962.4(SBF2):c.1216A>G (p.Lys406Glu)

Gene: SBF2 (SET binding factor 2; minus strand). Cytogenetic location: 11p15.4.
Variant type: single nucleotide variant.
Coding change: c.1216A>G on transcript NM_030962.4 (MANE Select); coding-DNA position 1216, A replaced by G.
Protein change: p.Lys406Glu; replaces lysine 406 with glutamic acid.
Molecular consequence: missense variant. On other transcripts: intron variant (1).
Genome position (GRCh38, 1-based): chr11:9,992,495, T>C on the plus strand (A>G on the coding strand, the complement: SBF2 is on the minus strand). VCF-style: chr11-9992495-T-C. GRCh37 (hg19) VCF-style: chr11-10014042-T-C.
Other names: c.1216A>G, p.Lys406Glu (NM_001386339.1); c.1167+495A>G (NM_001386342.1); short protein forms K406E.
Identifiers: ClinVar variation 937581 (VCV000937581.9), dbSNP rs760704483, ClinGen allele CA379636906.
Genomic context (GRCh38, chr11:9,992,495, plus strand): 5'-ATCTATAAGGAGGACCTCTTTCTGAAACAAAACCTGCAAATGCCATTCCACTGAGTACTT[T>C]AGTGAGGAAATCATTCTCGACCAAACCACGCTGCCCCAAGAATGCTGTCTGTGAAAAAAG-3'
Protein context (NP_112224.1, residues 396-416): RGLVENDFLT[Lys406Glu]VLSGMAFAGF

ClinVar aggregate classification (germline): Uncertain significance (1 of 4 stars; one submission).

Conditions:
Charcot-Marie-Tooth disease type 4. Also called: Charcot-Marie-Tooth, Type 4; Charcot-Marie-Tooth disease, type IV. Identifiers: Orphanet 64749, MedGen C4082197, MONDO:0018995.

Allele frequency attached by ClinVar (database versions not stated): gnomAD exomes below 0.00001.
gnomAD v4.1: 1 of 1,613,096 alleles (0.000062%); no homozygotes.

Submission:

Labcorp Genetics (formerly Invitae), Labcorp
Classification: Uncertain significance for Charcot-Marie-Tooth disease type 4. Last evaluated: 2019-09-28. Review status: criteria provided, single submitter. Criteria: Invitae Variant Classification Sherloc (09022015). Collection method: clinical testing. Allele origin: germline.
Comment: This sequence change replaces lysine with glutamic acid at codon 406 of the SBF2 protein (p.Lys406Glu). The lysine residue is moderately conserved and there is a small physicochemical difference between lysine and glutamic acid. This variant is not present in population databases (ExAC no frequency). In summary, the available evidence is currently insufficient to determine the role of this variant in disease. Therefore, it has been classified as a Variant of Uncertain Significance. Algorithms developed to predict the effect of missense changes on protein structure and function are either unavailable or do not agree on the potential impact of this missense change (SIFT: "Tolerated"; PolyPhen-2: "Probably Damaging"; Align-GVGD: "Class C0"). This variant has not been reported in the literature in individuals with SBF2-related conditions.